The following is an entry in ClinVar:

ClinVar aggregate classification (germline): Pathogenic (1 of 4 stars; one submission).

Conditions:
Carney complex, type 1 (CNC1). Also called: CARNEY MYXOMA-ENDOCRINE COMPLEX; CARNEY COMPLEX, TYPE I. Identifiers: Orphanet 1359, MedGen C2607929, MONDO:0008057, OMIM 160980.

Submission:

Labcorp Genetics (formerly Invitae), Labcorp
Classification: Pathogenic for Carney complex, type 1. Last evaluated: 2019-10-17. Review status: criteria provided, single submitter. Criteria: Invitae Variant Classification Sherloc (09022015). Collection method: clinical testing. Allele origin: germline.
Comment: This variant is a gross deletion of the genomic region encompassing exons 3-11 of the PRKAR1A gene. The 5' boundary is likely confined to intron 2. The 3' end of this event is unknown as it extends through the termination codon beyond the assayed region for this gene and may encompass additional genes. While this deletion is not anticipated to result in nonsense mediated decay, it is expected to create a truncated protein product or disrupt mRNA translation. A similar deletion of exons 3-11 has been observed to be de novo in an individual affected with Carney complex (PMID: 21850686). This variant disrupts the hinge domain and two cyclic AMP binding domains of the PRKAR1A protein, which encodes the R1-alpha regulatory subunit of cyclic AMP-dependent protein kinase (PMID: 15992699). While functional studies have not been performed to directly test the effect of this variant on PRKAR1A protein function, this suggests that disruption of this region of the protein is causative of disease. For these reasons, this variant has been classified as Pathogenic.

Literature cited by the submitters: PubMed 21850686; PubMed 15992699.

NC_000017.11:g.(?_68522746)_(68530459_?)del

Gene: PRKAR1A (protein kinase cAMP-dependent type I regulatory subunit alpha; plus strand). Cytogenetic location: 17q24.2.
Variant type: Deletion.
Identifiers: ClinVar variation 831062 (VCV000831062.1).